The following is an entry in ClinVar:

ClinVar aggregate classification (germline): Uncertain significance. Review status: criteria provided, multiple submitters, no conflicts (2 of 4 stars). 3 submissions from 3 submitters: Uncertain significance (3). Last evaluated 2026-05-11.

Conditions:
Hypercoagulability syndrome due to glycosylphosphatidylinositol deficiency (GPIBD1). Also called: GLYCOSYLPHOSPHATIDYLINOSITOL BIOSYNTHESIS DEFECT 1. Identifiers: Orphanet 83639, MedGen C5201145, MONDO:0012465, OMIM 610293.

Allele frequency attached by ClinVar (database versions not stated): gnomAD exomes 0.00031 and 0.00076; TOPMed 0.00034; ESP Exome Variant Server 0.00077; gnomAD 0.00038 and 0.00040; ExAC 0.00030.
gnomAD v4.1: 1,137 of 1,613,952 alleles (0.07%); highest among the groups gnomAD compares: Non-Finnish European, 0.094%; no homozygotes.

Submissions (3):

Ambry Genetics
Classification: Uncertain significance. Last evaluated: 2026-05-11. Review status: criteria provided, single submitter. Criteria: Ambry Variant Classification Scheme 2023. Collection method: clinical testing. Allele origin: germline.
Comment: The c.950G>A (p.C317Y) alteration is located in exon 1 (coding exon 1) of the PIGM gene. This alteration results from a G to A substitution at nucleotide position 950, causing the cysteine (C) at amino acid position 317 to be replaced by a tyrosine (Y). Based on data from gnomAD, the A allele has an overall frequency of 0.032% (91/282724) total alleles studied. The highest observed frequency was 0.066% (85/129088) of European (non-Finnish) alleles. Based on insufficient or conflicting evidence, the clinical significance of this alteration remains unclear.

Labcorp Genetics (formerly Invitae), Labcorp
Classification: Uncertain significance for Hypercoagulability syndrome due to glycosylphosphatidylinositol deficiency. Last evaluated: 2025-11-17. Review status: criteria provided, single submitter. Criteria: Invitae Variant Classification Sherloc (09022015). Collection method: clinical testing. Allele origin: germline.
Comment: This sequence change replaces cysteine, which is neutral and slightly polar, with tyrosine, which is neutral and polar, at codon 317 of the PIGM protein (p.Cys317Tyr). This variant is present in population databases (rs138769872, gnomAD 0.06%), and has an allele count higher than expected for a pathogenic variant. This variant has not been reported in the literature in individuals affected with PIGM-related conditions. ClinVar contains an entry for this variant (Variation ID: 640196). Invitae Evidence Modeling of protein sequence and biophysical properties (such as structural, functional, and spatial information, amino acid conservation, physicochemical variation, residue mobility, and thermodynamic stability) indicates that this missense variant is expected to disrupt PIGM protein function with a positive predictive value of 80%. In summary, the available evidence is currently insufficient to determine the role of this variant in disease. Therefore, it has been classified as a Variant of Uncertain Significance.

Mayo Clinic Laboratories, Mayo Clinic
Classification: Uncertain significance. Last evaluated: 2024-08-19. Review status: criteria provided, single submitter. Criteria: ACMG Guidelines, 2015. Collection method: clinical testing. Allele origin: germline. Observed: 1 variant allele.

NM_145167.3(PIGM):c.950G>A (p.Cys317Tyr)

Gene: PIGM (phosphatidylinositol glycan anchor biosynthesis class M; minus strand). Cytogenetic location: 1q23.2.
Variant type: single nucleotide variant.
Coding change: c.950G>A on transcript NM_145167.3 (MANE Select); coding-DNA position 950, G replaced by A.
Protein change: p.Cys317Tyr; replaces cysteine 317 with tyrosine.
Molecular consequence: missense variant.
Genome position (GRCh38, 1-based): chr1:160,030,790, C>T on the plus strand (G>A on the coding strand, the complement: PIGM is on the minus strand). VCF-style: chr1-160030790-C-T. GRCh37 (hg19) VCF-style: chr1-160000580-C-T.
Other names: p.Cys317Tyr; short protein forms C317Y.
Identifiers: ClinVar variation 640196 (VCV000640196.13), dbSNP rs138769872, ClinGen allele CA1192946.
Genomic context (GRCh38, chr1:160,030,790, plus strand): 5'-AGAAAGTACTGGGAGGTGCAGACTTTGTTAAAAGTCACAAAAATGGACGTATGAAGAAAA[C>T]AACAAAAAACGAGGTCTCTGTAATAGGCGAAAGACACAGCTGAAAGCAAGATGAGCTGTG-3'
Protein context (NP_660150.1, residues 307-327): FAYYRDLVFC[Cys317Tyr]FLHTSIFVTF